The following is an entry in ClinVar:

NM_015450.3(POT1):c.1164-171A>T

Gene: POT1 (protection of telomeres 1; minus strand). Cytogenetic location: 7q31.33.
Variant type: single nucleotide variant.
Coding change: c.1164-171A>T on transcript NM_015450.3 (MANE Select); 171 bases into the intron before coding-DNA position 1164, A replaced by T.
Molecular consequence: intron variant.
Genome position (GRCh38, 1-based): chr7:124,841,349, T>A on the plus strand (A>T on the coding strand, the complement: POT1 is on the minus strand). VCF-style: chr7-124841349-T-A. GRCh37 (hg19) VCF-style: chr7-124481403-T-A.
Other names: c.771-171A>T (NM_001042594.2).
Identifiers: ClinVar variation 677014 (VCV000677014.1), dbSNP rs4731221, ClinGen allele CA166104641.

ClinVar aggregate classification (germline): Benign (1 of 4 stars; one submission).

Allele frequency attached by ClinVar (database versions not stated): TOPMed 0.37427; gnomAD 0.37663 and 0.37821; 1000 Genomes Project 30x 0.39600; 1000 Genomes Project 0.39696.

Submission:

GeneDx
Classification: Benign. Last evaluated: 2018-06-12. Review status: criteria provided, single submitter. Criteria: GeneDx Variant Classification (06012015). Collection method: clinical testing. Allele origin: germline. Affected: yes.
Comment: This variant is considered likely benign or benign based on one or more of the following criteria: it is a conservative change, it occurs at a poorly conserved position in the protein, it is predicted to be benign by multiple in silico algorithms, and/or has population frequency not consistent with disease.